The following is an entry in ClinVar:

ClinVar aggregate classification (germline): Uncertain significance. Review status: criteria provided, multiple submitters, no conflicts (2 of 4 stars). 2 submissions from 2 submitters: Uncertain significance (2). Last evaluated 2026-02-01.

Conditions:
Congenital muscular hypertrophy-cerebral syndrome (CDLS2). Also called: SMC1A-Related Cornelia de Lange Syndrome; Cornelia de Lange syndrome 2. Identifiers: Orphanet 199, MedGen C1802395, MONDO:0010370, OMIM 300590.

Allele frequency attached by ClinVar (database versions not stated): gnomAD exomes below 0.00001; gnomAD 0.00001; TOPMed 0.00002.
gnomAD v4.1: 3 of 1,208,865 alleles (0.00025%); highest among the groups gnomAD compares: African/African-American, 0.0053%; no homozygotes.

Submissions (2):

CeGaT Center for Human Genetics Tuebingen
Classification: Uncertain significance. Last evaluated: 2026-02-01. Review status: criteria provided, single submitter. Criteria: CeGaT Center For Human Genetics Tuebingen Variant Classification Criteria Version 2. Collection method: clinical testing. Allele origin: germline. Affected: yes. Observed: 1 variant allele.
Comment: SMC1A: PM2, BP4

Labcorp Genetics (formerly Invitae), Labcorp
Classification: Uncertain significance for Congenital muscular hypertrophy-cerebral syndrome. Last evaluated: 2023-10-12. Review status: criteria provided, single submitter. Criteria: Invitae Variant Classification Sherloc (09022015). Collection method: clinical testing. Allele origin: germline.
Comment: This sequence change falls in intron 17 of the SMC1A gene. It does not directly change the encoded amino acid sequence of the SMC1A protein. This variant is present in population databases (no rsID available, gnomAD 0.008%). This variant has not been reported in the literature in individuals affected with SMC1A-related conditions. ClinVar contains an entry for this variant (Variation ID: 2112248). Algorithms developed to predict the effect of sequence changes on RNA splicing suggest that this variant may disrupt the consensus splice site. In summary, the available evidence is currently insufficient to determine the role of this variant in disease. Therefore, it has been classified as a Variant of Uncertain Significance.

NM_006306.4(SMC1A):c.2708+7G>A

Gene: SMC1A (structural maintenance of chromosomes 1A; minus strand). Cytogenetic location: Xp11.22.
Variant type: single nucleotide variant.
Coding change: c.2708+7G>A on transcript NM_006306.4 (MANE Select); 7 bases into the intron after coding-DNA position 2708, G replaced by A.
Molecular consequence: intron variant.
Genome position (GRCh38, 1-based): chrX:53,396,465, C>T on the plus strand (G>A on the coding strand, the complement: SMC1A is on the minus strand). VCF-style: chrX-53396465-C-T. GRCh37 (hg19) VCF-style: chrX-53423385-C-T.
Other names: c.2642+7G>A (NM_001281463.1).
Identifiers: ClinVar variation 2112248 (VCV002112248.8), dbSNP rs1474313110, ClinGen allele CA641894251.
Genomic context (GRCh38, chrX:53,396,465, plus strand): 5'-GAGACCCAAATCTGGCAGGCTGCCTGCTCTATCTACGTCCTCCCACCCCAGGCCTGAACC[C>T]ACTCACTTGTTGGCGCCCCCGAGTTTCTTACGAATCTCCTCCATCTCATGATTCTTGTCA-3'